The following is an entry in ClinVar:

NM_000057.4(BLM):c.3299T>G (p.Ile1100Arg)

Gene: BLM (BLM RecQ like helicase; plus strand). Cytogenetic location: 15q26.1.
Variant type: single nucleotide variant.
Coding change: c.3299T>G on transcript NM_000057.4 (MANE Select); coding-DNA position 3299, T replaced by G.
Protein change: p.Ile1100Arg; replaces isoleucine 1100 with arginine.
Molecular consequence: missense variant.
Genome position (GRCh38, 1-based): chr15:90,798,278, T>G. VCF-style: chr15-90798278-T-G. GRCh37 (hg19) VCF-style: chr15-91341508-T-G.
Other names: c.3299T>G, p.Ile1100Arg (NM_001287246.2, NM_001287247.2); c.2174T>G, p.Ile725Arg (NM_001287248.2); c.3299T>G (NM_000057.2); short protein forms I1100R, I725R.
Identifiers: ClinVar variation 1001147 (VCV001001147.11), dbSNP rs755282763, ClinGen allele CA7738982.

ClinVar aggregate classification (germline): Uncertain significance. Review status: criteria provided, multiple submitters, no conflicts (2 of 4 stars). 3 submissions from 3 submitters: Uncertain significance (2). 1 of the submissions does not count toward it. Last evaluated 2025-12-10.

Conditions:
Hereditary cancer-predisposing syndrome. Also called: Neoplastic Syndromes, Hereditary; Tumor predisposition; Hereditary Cancer Syndrome; Hereditary neoplastic syndrome. Identifiers: Orphanet 140162, MedGen C0027672, MeSH D009386, MONDO:0015356.
Bloom syndrome (BLM). Also called: Bloom-Torre-Machacek syndrome. Identifiers: Orphanet 125, MedGen C0005859, MONDO:0008876, OMIM 210900.

Allele frequency attached by ClinVar (database versions not stated): ExAC 0.00001; gnomAD exomes 0.00001 and 0.00002; TOPMed 0.00002.
gnomAD v4.1: 4 of 1,612,724 alleles (0.00025%); highest among the groups gnomAD compares: Admixed American, 0.0067%; no homozygotes.

Submissions (3):

Ambry Genetics
Classification: Uncertain significance for Hereditary cancer-predisposing syndrome. Last evaluated: 2025-12-10. Review status: criteria provided, single submitter. Criteria: Ambry Variant Classification Scheme 2023. Collection method: clinical testing. Allele origin: germline.

Labcorp Genetics (formerly Invitae), Labcorp
Classification: Uncertain significance for Bloom syndrome. Last evaluated: 2022-03-12. Review status: criteria provided, single submitter. Criteria: Invitae Variant Classification Sherloc (09022015). Collection method: clinical testing. Allele origin: germline.
Comment: This sequence change replaces isoleucine, which is neutral and non-polar, with arginine, which is basic and polar, at codon 1100 of the BLM protein (p.Ile1100Arg). This variant is present in population databases (rs755282763, gnomAD 0.01%). This variant has not been reported in the literature in individuals affected with BLM-related conditions. ClinVar contains an entry for this variant (Variation ID: 1001147). Algorithms developed to predict the effect of missense changes on protein structure and function output the following: SIFT: "Tolerated"; PolyPhen-2: "Benign"; Align-GVGD: "Class C0". The arginine amino acid residue is found in multiple mammalian species, which suggests that this missense change does not adversely affect protein function. In summary, the available evidence is currently insufficient to determine the role of this variant in disease. Therefore, it has been classified as a Variant of Uncertain Significance.

Natera, Inc.
Classification: Uncertain significance for Bloom syndrome. Last evaluated: 2018-12-26. Review status: no assertion criteria provided. Collection method: clinical testing. Allele origin: germline. Not counted in ClinVar's aggregate classification.